The following is an entry in ClinVar:

NM_000260.4(MYO7A):c.1690G>A (p.Gly564Ser)

Gene: MYO7A (myosin VIIA; plus strand). Cytogenetic location: 11q13.5.
Variant type: single nucleotide variant.
Coding change: c.1690G>A on transcript NM_000260.4 (MANE Select); coding-DNA position 1690, G replaced by A.
Protein change: p.Gly564Ser; replaces glycine 564 with serine.
Molecular consequence: missense variant.
Genome position (GRCh38, 1-based): chr11:77,162,988, G>A. VCF-style: chr11-77162988-G-A. GRCh37 (hg19) VCF-style: chr11-76874034-G-A.
Other names: c.1690G>A, p.Gly564Ser (NM_001127180.2); c.1657G>A, p.Gly553Ser (NM_001369365.1); short protein forms G564S, G553S.
Identifiers: ClinVar variation 2735702 (VCV002735702.3), dbSNP rs2496887510, ClinGen allele CA381936409.

ClinVar aggregate classification (germline): Likely pathogenic (1 of 4 stars; one submission).

Submission:

Labcorp Genetics (formerly Invitae), Labcorp
Classification: Likely pathogenic. Last evaluated: 2023-03-22. Review status: criteria provided, single submitter. Criteria: Invitae Variant Classification Sherloc (09022015). Collection method: clinical testing. Allele origin: germline.
Comment: An algorithm developed to predict the effect of missense changes on protein structure and function (PolyPhen-2) suggests that this variant is likely to be disruptive. In summary, the currently available evidence indicates that the variant is pathogenic, but additional data are needed to prove that conclusively. Therefore, this variant has been classified as Likely Pathogenic. Variants that disrupt the consensus splice site are a relatively common cause of aberrant splicing (PMID: 17576681, 9536098). Algorithms developed to predict the effect of sequence changes on RNA splicing suggest that this variant may disrupt the consensus splice site. This variant is also known as c.1687G>A. This missense change has been observed in individual(s) with autosomal recessive Usher syndrome (PMID: 17960123). It has also been observed to segregate with disease in related individuals. This variant is not present in population databases (gnomAD no frequency). This sequence change replaces glycine, which is neutral and non-polar, with serine, which is neutral and polar, at codon 564 of the MYO7A protein (p.Gly564Ser). This variant also falls at the last nucleotide of exon 14, which is part of the consensus splice site for this exon.

Literature cited by the submitters: PubMed 17576681; PubMed 9536098; PubMed 17960123.